The following is an entry in ClinVar:

NM_001040142.2(SCN2A):c.1972G>T (p.Gly658Trp)

Gene: SCN2A (sodium voltage-gated channel alpha subunit 2; plus strand). Cytogenetic location: 2q24.3.
Variant type: single nucleotide variant.
Coding change: c.1972G>T on transcript NM_001040142.2 (MANE Select); coding-DNA position 1972, G replaced by T.
Protein change: p.Gly658Trp; replaces glycine 658 with tryptophan.
Molecular consequence: missense variant.
Genome position (GRCh38, 1-based): chr2:165,323,456, G>T. VCF-style: chr2-165323456-G-T. GRCh37 (hg19) VCF-style: chr2-166179966-G-T.
Other names: c.1972G>T, p.Gly658Trp (NM_001040143.2, NM_001371246.1, NM_001371247.1 and 1 more transcripts); short protein forms G658W.
Identifiers: ClinVar variation 546409 (VCV000546409.3), dbSNP rs767183298, ClinGen allele CA1939895.

ClinVar aggregate classification (germline): Uncertain significance (1 of 4 stars; one submission).

Allele frequency attached by ClinVar (database versions not stated): ExAC 0.00001.

Submission:

GeneDx
Classification: Uncertain significance. Last evaluated: 2019-06-14. Review status: criteria provided, single submitter. Criteria: GeneDx Variant Classification Process June 2021. Collection method: clinical testing. Allele origin: germline. Affected: yes.
Comment: Not observed at a significant frequency in large population cohorts (Lek et al., 2016); The majority of missense variants in this gene are considered pathogenic (Stenson et al., 2014); In silico analysis, which includes protein predictors and evolutionary conservation, supports a deleterious effect; Has not been previously published as pathogenic or benign to our knowledge; This substitution is predicted to be within the intracellular loop between the S6 transmembrane segment of the first homologous domain and the S1 transmembrane segment of the second homologous domain